The following is an entry in ClinVar:

ClinVar aggregate classification (germline): Benign/Likely benign. Review status: criteria provided, multiple submitters, no conflicts (2 of 4 stars). 4 submissions from 4 submitters: Benign (2); Likely benign (1). 1 of the submissions does not count toward it. Last evaluated 2026-01-22.

Conditions:
AGRN-related disorder. Also called: AGRN-related condition.
Congenital myasthenic syndrome 8. Also called: Myasthenic syndrome, congenital, 8, with pre- and postsynaptic defects; MYASTHENIC SYNDROME, CONGENITAL, DUE TO AGRIN DEFICIENCY. Identifiers: Orphanet 590, MedGen C3808739, MONDO:0014052, OMIM 615120.

Allele frequency attached by ClinVar (database versions not stated): gnomAD exomes 0.00043 and 0.00053; 1000 Genomes Project 0.00060; 1000 Genomes Project 30x 0.00062; gnomAD 0.00107 and 0.00113; ESP Exome Variant Server 0.00109; ExAC 0.00110; TOPMed 0.00136.
gnomAD v4.1: 776 of 1,584,542 alleles (0.049%); highest among the groups gnomAD compares: African/African-American, 0.3%; no homozygotes.

Submissions (4):

Labcorp Genetics (formerly Invitae), Labcorp
Classification: Benign for Congenital myasthenic syndrome 8. Last evaluated: 2026-01-22. Review status: criteria provided, single submitter. Criteria: Invitae Variant Classification Sherloc (09022015). Collection method: clinical testing. Allele origin: germline.

Blueprint Genetics
Classification: Likely benign. Last evaluated: 2023-06-19. Review status: criteria provided, single submitter. Criteria: ACMG Guidelines, 2015. Collection method: clinical testing. Allele origin: germline.

Athena Diagnostics
Classification: Benign. Last evaluated: 2017-11-06. Review status: criteria provided, single submitter. Criteria: Athena Diagnostics Criteria. Collection method: clinical testing. Allele origin: germline.

PreventionGenetics, part of Exact Sciences
Classification: Likely benign for AGRN-related condition. Last evaluated: 2019-06-26. Review status: no assertion criteria provided. Collection method: clinical testing. Allele origin: germline. Not counted in ClinVar's aggregate classification.
Comment: This variant is classified as likely benign based on ACMG/AMP sequence variant interpretation guidelines (Richards et al. 2015 PMID: 25741868, with internal and published modifications).

NM_198576.4(AGRN):c.3765G>A (p.Ala1255=)

Gene: AGRN (agrin; plus strand). Cytogenetic location: 1p36.33.
Variant type: single nucleotide variant.
Coding change: c.3765G>A on transcript NM_198576.4 (MANE Select); coding-DNA position 3765, G replaced by A.
Protein change: p.Ala1255=; no amino-acid change (alanine 1255 retained).
Molecular consequence: synonymous variant.
Genome position (GRCh38, 1-based): chr1:1,048,025, G>A. VCF-style: chr1-1048025-G-A. GRCh37 (hg19) VCF-style: chr1-983405-G-A.
Other names: c.3765G>A, p.Ala1255= (NM_001305275.2); c.3450G>A, p.Ala1150= (NM_001364727.2); c.3765G>A (LRG_198t1).
Identifiers: ClinVar variation 585379 (VCV000585379.17), dbSNP rs149490453, ClinGen allele CA509234.